The following is an entry in ClinVar:

NM_170707.4(LMNA):c.887G>T (p.Arg296Leu)

Gene: LMNA (lamin A/C; plus strand). Cytogenetic location: 1q22.
Variant type: single nucleotide variant.
Coding change: c.887G>T on transcript NM_170707.4 (MANE Select); coding-DNA position 887, G replaced by T.
Protein change: p.Arg296Leu; replaces arginine 296 with leucine.
Molecular consequence: missense variant.
Genome position (GRCh38, 1-based): chr1:156,135,263, G>T. VCF-style: chr1-156135263-G-T. GRCh37 (hg19) VCF-style: chr1-156105054-G-T.
Other names: c.551G>T, p.Arg184Leu (NM_001257374.3, NM_001406989.1, NM_001406998.1); c.644G>T, p.Arg215Leu (NM_001282624.2, NM_001406986.1, NM_001406987.1); c.887G>T, p.Arg296Leu (NM_001282625.2, NM_001282626.2, NM_001406983.1 and 6 more transcripts); c.590G>T, p.Arg197Leu (NM_001406988.1); c.329G>T, p.Arg110Leu (NM_001406990.1, NM_001406993.1, NM_001406995.1 and 4 more transcripts); c.223G>T, p.Ala75Ser (NM_001406994.1, NM_001406999.1, NM_001407000.1 and 1 more transcripts); short protein forms A75S, R110L, R184L, R197L, R215L, R296L.
Identifiers: ClinVar variation 2418851 (VCV002418851.6), dbSNP rs1024051591, ClinGen allele CA342817768.

ClinVar aggregate classification (germline): Uncertain significance (1 of 4 stars; one submission).

Conditions:
Charcot-Marie-Tooth disease type 2. Also called: Charcot-Marie-Tooth type 2. Identifiers: Orphanet 64746, MedGen C0270914, MONDO:0018993.

Allele frequency attached by ClinVar (database versions not stated): TOPMed 0.00001.
gnomAD v4.1: 1 of 1,613,538 alleles (0.000062%); highest among the groups gnomAD compares: Middle Eastern, 0.016%; no homozygotes.

Submission:

Labcorp Genetics (formerly Invitae), Labcorp
Classification: Uncertain significance for Charcot-Marie-Tooth disease type 2. Last evaluated: 2022-07-02. Review status: criteria provided, single submitter. Criteria: Invitae Variant Classification Sherloc (09022015). Collection method: clinical testing. Allele origin: germline.
Comment: In summary, the available evidence is currently insufficient to determine the role of this variant in disease. Therefore, it has been classified as a Variant of Uncertain Significance. Algorithms developed to predict the effect of missense changes on protein structure and function are either unavailable or do not agree on the potential impact of this missense change (SIFT: "Deleterious"; PolyPhen-2: "Benign"; Align-GVGD: "Class C65"). This missense change has been observed in individual(s) with clinical features of LMNA-related conditions (PMID: 31322791). This variant is not present in population databases (gnomAD no frequency). This sequence change replaces arginine, which is basic and polar, with leucine, which is neutral and non-polar, at codon 296 of the LMNA protein (p.Arg296Leu).

Literature cited by the submitters: PubMed 31322791.